The following is an entry in ClinVar:

ClinVar aggregate classification (germline): Benign/Likely benign. Review status: criteria provided, multiple submitters, no conflicts (2 of 4 stars). 14 submissions from 14 submitters: Benign (8); Likely benign (3). 3 of the submissions do not count toward it. Last evaluated 2026-02-04.

Conditions:
Familial hemophagocytic lymphohistiocytosis 3 (FHL3). Also called: UNC13D-Related Familial Hemophagocytic Lymphohistiocytosis (UNC13D-fHLH). Identifiers: Orphanet 540, MedGen C1837174, MONDO:0012146, OMIM 608898.

Allele frequency attached by ClinVar (database versions not stated): gnomAD exomes 0.33043 and 0.35297; ExAC 0.36663; gnomAD 0.46244 and 0.47045; TOPMed 0.48775; ESP Exome Variant Server 0.49308; 1000 Genomes Project 0.49940; 1000 Genomes Project 30x 0.50734.
gnomAD v4.1: 555,348 of 1,613,702 alleles (34%); highest among the groups gnomAD compares: African/African-American, 83%; 107,159 homozygotes.

Submissions (14):

Labcorp Genetics (formerly Invitae), Labcorp
Classification: Benign for Familial hemophagocytic lymphohistiocytosis 3. Last evaluated: 2026-02-04. Review status: criteria provided, single submitter. Criteria: Invitae Variant Classification Sherloc (09022015). Collection method: clinical testing. Allele origin: germline.

Blueprint Genetics
Classification: Likely benign. Last evaluated: 2024-11-28. Review status: criteria provided, single submitter. Criteria: ACMG Guidelines, 2015. Collection method: clinical testing. Allele origin: germline.

Unidad de Genómica Garrahan, Hospital de Pediatría Garrahan
Classification: Benign. Last evaluated: 2023-11-12. Review status: criteria provided, single submitter. Criteria: ACMG Guidelines, 2015. Collection method: clinical testing. Allele origin: germline. Affected: no. Observed: 39 variant alleles.
Comment: This variant is classified as Benign based on local population frequency. This variant was detected in 41% of patients studied by a panel of primary immunodeficiencies. Number of patients: 39. Only high quality variants are reported.

Mayo Clinic Laboratories, Mayo Clinic
Classification: Benign. Last evaluated: 2023-04-12. Review status: criteria provided, single submitter. Criteria: ACMG Guidelines, 2015. Collection method: clinical testing. Allele origin: germline. Observed: 409 variant alleles.
Comment: BA1, BP4

Genome-Nilou Lab
Classification: Benign for Familial hemophagocytic lymphohistiocytosis 3. Last evaluated: 2021-12-05. Review status: criteria provided, single submitter. Criteria: ACMG Guidelines, 2015. Collection method: clinical testing. Allele origin: germline. Affected: no.

Women's Health and Genetics/Laboratory Corporation of America, LabCorp
Classification: Likely benign. Last evaluated: 2021-12-03. Review status: criteria provided, single submitter. Criteria: LabCorp Variant Classification Summary - May 2015. Collection method: clinical testing. Allele origin: germline.

Mendelics
Classification: Benign. Last evaluated: 2019-05-28. Review status: criteria provided, single submitter. Criteria: Mendelics Assertion Criteria 2017. Collection method: clinical testing. Allele origin: unknown.

Illumina Laboratory Services, Illumina
Classification: Benign for Familial hemophagocytic lymphohistiocytosis 3. Last evaluated: 2018-01-13. Review status: criteria provided, single submitter. Criteria: ICSL Variant Classification Criteria 13 December 2019. Collection method: clinical testing. Allele origin: germline.
Comment: This variant was observed in the ICSL laboratory as part of a predisposition screen in an ostensibly healthy population. It had not been previously curated by ICSL or reported in the Human Gene Mutation Database (HGMD: prior to June 1st, 2018), and was therefore a candidate for classification through an automated scoring system. Utilizing variant allele frequency, disease prevalence and penetrance estimates, and inheritance mode, an automated score was calculated to assess if this variant is too frequent to cause the disease. Based on the score and internal cut-off values, a variant classified as benign is not then subjected to further curation. The score for this variant resulted in a classification of benign for this disease.

Laboratory for Molecular Medicine, Mass General Brigham Personalized Medicine
Classification: Benign. Last evaluated: 2016-03-29. Review status: criteria provided, single submitter. Criteria: LMM Criteria. Collection method: clinical testing. Allele origin: germline.
Comment: Variant identified in a genome or exome case(s) and assessed due to predicted null impact of the variant or pathogenic assertions in the literature or databases. Disclaimer: This variant has not undergone full assessment. The following are preliminary notes: Frequency

Breakthrough Genomics
Classification: Likely benign. Review status: criteria provided, single submitter. Criteria: ACMG Guidelines, 2015. Collection method: not provided. Allele origin: germline. Inheritance: Autosomal recessive inheritance. Affected: yes.

PreventionGenetics, part of Exact Sciences
Classification: Benign. Review status: criteria provided, single submitter. Criteria: ACMG Guidelines, 2015. Collection method: clinical testing. Allele origin: germline.

Clinical Genetics DNA and cytogenetics Diagnostics Lab, Erasmus MC, Erasmus Medical Center
Classification: Benign. Review status: no assertion criteria provided. Collection method: clinical testing. Allele origin: germline. Affected: yes. Study: VKGL Data-share Consensus. Not counted in ClinVar's aggregate classification.

Diagnostic Laboratory, Department of Genetics, University Medical Center Groningen
Classification: Benign for Familial hemophagocytic lymphohistiocytosis 3. Review status: no assertion criteria provided. Collection method: clinical testing. Allele origin: germline. Affected: yes. Study: VKGL Data-share Consensus. Not counted in ClinVar's aggregate classification.

Genome Diagnostics Laboratory, University Medical Center Utrecht
Classification: Benign. Review status: no assertion criteria provided. Collection method: clinical testing. Allele origin: germline. Affected: yes. Study: VKGL Data-share Consensus. Not counted in ClinVar's aggregate classification.

NM_199242.3(UNC13D):c.2599A>G (p.Lys867Glu)

Gene: UNC13D (unc-13 homolog D; minus strand). Cytogenetic location: 17q25.1.
Variant type: single nucleotide variant.
Coding change: c.2599A>G on transcript NM_199242.3 (MANE Select); coding-DNA position 2599, A replaced by G.
Protein change: p.Lys867Glu; replaces lysine 867 with glutamic acid.
Molecular consequence: missense variant.
Genome position (GRCh38, 1-based): chr17:75,831,124, T>C on the plus strand (A>G on the coding strand, the complement: UNC13D is on the minus strand). VCF-style: chr17-75831124-T-C. GRCh37 (hg19) VCF-style: chr17-73827205-T-C.
Other names: short protein forms K867E.
Identifiers: ClinVar variation 263228 (VCV000263228.27), dbSNP rs1135688, ClinGen allele CA8772456.